The following is an entry in ClinVar:

NM_004423.4(DVL3):c.939C>T (p.Asp313=)

Gene: DVL3 (dishevelled segment polarity protein 3; plus strand). Cytogenetic location: 3q27.1.
Variant type: single nucleotide variant.
Coding change: c.939C>T on transcript NM_004423.4 (MANE Select); coding-DNA position 939, C replaced by T.
Protein change: p.Asp313=; no amino-acid change (aspartic acid 313 retained).
Molecular consequence: synonymous variant.
Genome position (GRCh38, 1-based): chr3:184,166,481, C>T. VCF-style: chr3-184166481-C-T. GRCh37 (hg19) VCF-style: chr3-183884269-C-T.
Identifiers: ClinVar variation 2654306 (VCV002654306.27), dbSNP rs753087422, ClinGen allele CA2727283.

ClinVar aggregate classification (germline): Likely benign. Review status: criteria provided, multiple submitters, no conflicts (2 of 4 stars). 2 submissions from 2 submitters: Likely benign (2). Last evaluated 2023-06-16.

Allele frequency attached by ClinVar (database versions not stated): TOPMed 0.00001; ExAC 0.00002; gnomAD exomes 0.00003.
gnomAD v4.1: 43 of 1,614,102 alleles (0.0027%); highest among the groups gnomAD compares: Non-Finnish European, 0.0034%; no homozygotes.

Submissions (2):

Labcorp Genetics (formerly Invitae), Labcorp
Classification: Likely benign. Last evaluated: 2023-06-16. Review status: criteria provided, single submitter. Criteria: Invitae Variant Classification Sherloc (09022015). Collection method: clinical testing. Allele origin: germline.

CeGaT Center for Human Genetics Tuebingen
Classification: Likely benign. Last evaluated: 2022-05-01. Review status: criteria provided, single submitter. Criteria: CeGaT Center For Human Genetics Tuebingen Variant Classification Criteria Version 2. Collection method: clinical testing. Allele origin: germline. Affected: yes. Observed: 1 variant allele.
Comment: DVL3: BP4, BP7